The following is an entry in ClinVar:

NM_001257293.2(HNRNPH1):c.697C>T (p.Arg233Cys)

Genes: HNRNPH1 (heterogeneous nuclear ribonucleoprotein H1; minus strand), LOC128966623 (uncharacterized LOC128966623; plus strand). Cytogenetic location: 5q35.3.
Variant type: single nucleotide variant.
Coding change: c.697C>T on transcript NM_001257293.2 (MANE Select); coding-DNA position 697, C replaced by T.
Protein change: p.Arg233Cys; replaces arginine 233 with cysteine.
Molecular consequence: missense variant. On other transcripts: intron variant (3).
Genome position (GRCh38, 1-based): chr5:179,618,163, G>A on the plus strand (C>T on the coding strand, the complement: HNRNPH1 is on the minus strand). VCF-style: chr5-179618163-G-A. GRCh37 (hg19) VCF-style: chr5-179045164-G-A.
Other names: c.697C>T, p.Arg233Cys (NM_001363572.2, NM_001364225.2, NM_001364226.2 and 36 more transcripts); c.541C>T, p.Arg181Cys (NM_001364250.2); c.94C>T, p.Arg32Cys (NM_001364251.2, NM_001364252.2, NM_001364253.2 and 4 more transcripts); c.466C>T, p.Arg156Cys (NM_001395190.1); c.398-252C>T (NM_001395193.1); c.398-103C>T (NM_001395191.1, NM_001395192.1); short protein forms R156C, R181C, R233C, R32C.
Identifiers: ClinVar variation 1722866 (VCV001722866.4), dbSNP rs1408974367, ClinGen allele CA362438234.
Genomic context (GRCh38, chr5:179,618,163, plus strand): 5'-AAGGAACAGACGACTTGCCGAACCTTACGAATCCTCACGTACCTCCACCATAAGCACCAC[G>A]CCTCATCCTCTCAAAGCCAGCTCCTCTGCCAATGCTGTTATACCCTCTACCAGCCCCAGG-3'
Protein context (NP_001244222.1, residues 223-243): GRGAGFERMR[Arg233Cys]GAYGGGYGGY

ClinVar aggregate classification (germline): Uncertain significance. Review status: criteria provided, multiple submitters, no conflicts (2 of 4 stars). 2 submissions from 2 submitters: Uncertain significance (2). Last evaluated 2026-03-29.

Conditions:
Neurodevelopmental disorder with craniofacial dysmorphism and skeletal defects (NEDCDS). Identifiers: Orphanet 662207, MedGen C5774235, MONDO:0859301, OMIM 620083.

Allele frequency attached by ClinVar (database versions not stated): gnomAD exomes below 0.00001; gnomAD 0.00001.
gnomAD v4.1: 3 of 1,613,740 alleles (0.00019%); highest among the groups gnomAD compares: Non-Finnish European, 0.00017%; no homozygotes.

Submissions (2):

Dasa
Classification: Uncertain significance for Neurodevelopmental disorder with craniofacial dysmorphism and skeletal defects. Last evaluated: 2026-03-29. Review status: criteria provided, single submitter. Criteria: DASA Assertion Criteria. Collection method: clinical testing. Allele origin: germline.
Comment: NM_001257293.2(HNRNPH1):c.697C>T (p.Arg233Cys) is a missense variant that results in the substitution of arginine with cysteine. De novo occurrence has been reported in an individual with HNRNPH1-related disorders. This variant is rare in population databases. The currently available literature and clinical evidence are not sufficient to establish a definitive association between this variant and the reported condition. Therefore, this variant is classified as a variant of uncertain significance.

GeneDx
Classification: Uncertain significance. Last evaluated: 2022-05-03. Review status: criteria provided, single submitter. Criteria: GeneDx Variant Classification Process June 2021. Collection method: clinical testing. Allele origin: germline. Affected: yes.
Comment: In silico analysis supports that this missense variant does not alter protein structure/function; Has not been previously published as pathogenic or benign to our knowledge